The following is an entry in ClinVar:

ClinVar aggregate classification (germline): Uncertain significance (1 of 4 stars; one submission).

Conditions:
DICER1-related tumor predisposition. Also called: DICER1 syndrome; DICER1-related pleuropulmonary blastoma cancer predisposition syndrome. Identifiers: Orphanet 284343, MedGen C3839822, MONDO:0100216.

Allele frequency attached by ClinVar (database versions not stated): gnomAD 0.00001.
gnomAD v4.1: 1 of 1,613,722 alleles (0.000062%); highest among the groups gnomAD compares: Admixed American, 0.0017%; no homozygotes.

Submission:

Labcorp Genetics (formerly Invitae), Labcorp
Classification: Uncertain significance for DICER1-related tumor predisposition. Last evaluated: 2018-12-28. Review status: criteria provided, single submitter. Criteria: Invitae Variant Classification Sherloc (09022015). Collection method: clinical testing. Allele origin: germline.
Comment: This sequence change falls in intron 17 of the DICER1 gene. It does not directly change the encoded amino acid sequence of the DICER1 protein, but it affects a nucleotide within the consensus splice site of the intron. This variant is not present in population databases (ExAC no frequency). This variant has not been reported in the literature in individuals with DICER1-related conditions. Nucleotide substitutions within the consensus splice site are a relatively common cause of aberrant splicing (PMID: 17576681, 9536098). Algorithms developed to predict the effect of sequence changes on RNA splicing suggest that this variant may disrupt the consensus splice site, but this prediction has not been confirmed by published transcriptional studies. In summary, the available evidence is currently insufficient to determine the role of this variant in disease. Therefore, it has been classified as a Variant of Uncertain Significance.

Literature cited by the submitters: PubMed 17576681; PubMed 9536098.

NM_177438.3(DICER1):c.2804+3A>C

Gene: DICER1 (dicer 1, ribonuclease III; minus strand). Cytogenetic location: 14q32.13.
Variant type: single nucleotide variant.
Coding change: c.2804+3A>C on transcript NM_177438.3 (MANE Select); 3 bases into the intron after coding-DNA position 2804, A replaced by C.
Molecular consequence: intron variant.
Genome position (GRCh38, 1-based): chr14:95,107,605, T>G on the plus strand (A>C on the coding strand, the complement: DICER1 is on the minus strand). VCF-style: chr14-95107605-T-G. GRCh37 (hg19) VCF-style: chr14-95573942-T-G.
Other names: c.2804+3A>C (NM_001291628.2, NM_030621.4, NM_001271282.3 and 1 more transcripts).
Identifiers: ClinVar variation 662734 (VCV000662734.8), dbSNP rs1595378646, ClinGen allele CA915946385.